The following is an entry in ClinVar:

NM_001377.3(DYNC2H1):c.7532_7534delinsAA (p.Leu2511_Glu2512delinsTer)

Gene: DYNC2H1 (dynein cytoplasmic 2 heavy chain 1; plus strand). Cytogenetic location: 11q22.3.
Variant type: Indel.
Coding change: c.7532_7534delinsAA on transcript NM_001377.3 (MANE Select); coding-DNA positions 7532 to 7534, TAG replaced by AA.
Protein change: p.Leu2511_Glu2512delinsTer.
Molecular consequence: nonsense.
Genome position (GRCh38, 1-based): chr11:103,191,611-103,191,613, TAG replaced by AA. VCF-style: chr11-103191611-TAG-AA. GRCh37 (hg19) VCF-style: chr11-103062340-TAG-AA.
Other names: c.7532_7534delinsAA, p.Leu2511_Glu2512delinsTer (NM_001080463.2).
Identifiers: ClinVar variation 5004821 (VCV005004821.1).

ClinVar aggregate classification (germline): Pathogenic (1 of 4 stars; one submission).

Conditions:
Asphyxiating thoracic dystrophy 3. Also called: POLYDACTYLY WITH NEONATAL CHONDRODYSTROPHY, TYPE I; SHORT-RIB THORACIC DYSPLASIA 3 WITH OR WITHOUT POLYDACTYLY; SHORT-RIB THORACIC DYSPLASIA 3/6 WITH POLYDACTYLY, DIGENIC; Saldino-Noonan Syndrome; Short rib polydactyly syndrome 2B. Identifiers: Orphanet 474, Orphanet 93269, Orphanet 93270, Orphanet 93271, MedGen C0036069, MONDO:0013127, OMIM 613091.

Submission:

Myriad Genetics, Inc.
Classification: Pathogenic for Asphyxiating thoracic dystrophy 3. Last evaluated: 2026-07-31. Review status: criteria provided, single submitter. Criteria: Myriad Autosomal Dominant, Autosomal Recessive and X-Linked Classification Criteria (2023). Collection method: clinical testing. Allele origin: unknown.
Comment: NM_001377.2(DYNC2H1):c.7532_7534delTAGinsAA(L2511*) is a nonsense variant classified as pathogenic in the context of DYNC2H1-related disorders. L2511* has not been observed in cases with relevant disease. Relevant functional assessments of this variant are not available in the literature. L2511* has not been observed in referenced population frequency databases. In summary, NM_001377.2(DYNC2H1):c.7532_7534delTAGinsAA(L2511*) is a nonsense variant in a gene where loss of function is a known mechanism of disease and is predicted to disrupt protein function. Please note: this variant was assessed in the context of healthy population screening.